The following is an entry in ClinVar:

ClinVar aggregate classification (germline): Uncertain significance (1 of 4 stars; one submission).

Conditions:
Hermansky-Pudlak syndrome 3 (HPS3). Identifiers: Orphanet 231512, Orphanet 79430, MedGen C3888001, MONDO:0013555, OMIM 614072.

Submission:

Juno Genomics, Hangzhou Juno Genomics, Inc
Classification: Uncertain significance for Hermansky-Pudlak syndrome 3. Review status: criteria provided, single submitter. Criteria: ACMG Guidelines, 2015. Collection method: clinical testing. Allele origin: germline. Affected: yes.
Comment: Absent from controls (or at extremely low frequency if recessive) in Genome Aggregation Database, Exome Sequencing Project, 1000 Genomes Project, or Exome Aggregation Consortium.;Multiple lines of computational evidence support a deleterious effect on the gene or gene product (conservation, evolutionary, splicing impact, etc).;For recessive disorders, detected in trans with a pathogenic variant.;Patient's phenotype or family history is highly specific for a disease with a single genetic etiology.

NM_032383.5(HPS3):c.1151A>C (p.His384Pro)

Gene: HPS3 (HPS3 biogenesis of lysosomal organelles complex 2 subunit 1; plus strand). Cytogenetic location: 3q24.
Variant type: single nucleotide variant.
Coding change: c.1151A>C on transcript NM_032383.5 (MANE Select); coding-DNA position 1151, A replaced by C.
Protein change: p.His384Pro; replaces histidine 384 with proline.
Molecular consequence: missense variant.
Genome position (GRCh38, 1-based): chr3:149,145,534, A>C. VCF-style: chr3-149145534-A-C. GRCh37 (hg19) VCF-style: chr3-148863321-A-C.
Other names: c.656A>C, p.His219Pro (NM_001308258.2); short protein forms H219P, H384P.
Identifiers: ClinVar variation 3382927 (VCV003382927.2).